The following is an entry in ClinVar:

ClinVar aggregate classification (germline): Pathogenic (1 of 4 stars; one submission).

Conditions:
Inborn genetic diseases. Identifiers: MedGen C0950123, MeSH D030342.

Submission:

Ambry Genetics
Classification: Pathogenic for Inborn genetic diseases. Last evaluated: 2023-02-02. Review status: criteria provided, single submitter. Criteria: Ambry Variant Classification Scheme 2023. Collection method: clinical testing. Allele origin: germline.
Comment: The c.2199delC (p.L735*) alteration, located in exon 23 (coding exon 23) of the PGAP1 gene, consists of a deletion of one nucleotide at position 2199, causing a translational frameshift with a predicted alternate stop codon after amino acids. This alteration is expected to result in loss of function by premature protein truncation or nonsense-mediated mRNA decay. This variant was not reported in population-based cohorts in the Genome Aggregation Database (gnomAD). Based on the available evidence, this alteration is classified as pathogenic.

NM_024989.4(PGAP1):c.2199del (p.Phe734_Leu735insTer)

Gene: PGAP1 (post-GPI attachment to proteins inositol deacylase 1; minus strand). Cytogenetic location: 2q33.1.
Variant type: Deletion.
Coding change: c.2199del on transcript NM_024989.4 (MANE Select); coding-DNA position 2199, one base deleted (C; older notation c.2199delC).
Protein change: p.Phe734_Leu735insTer.
Molecular consequence: frameshift variant.
Genome position (GRCh38, 1-based): chr2:196,845,969, G deleted on the plus strand (C on the coding strand, the reverse complement: PGAP1 is on the minus strand); the first of 3 consecutive G bases (chr2:196,845,969-196,845,971); deleting any one gives the same sequence. VCF-style (leftmost placement, unchanged base first): chr2-196845968-AG-A. GRCh37 (hg19) VCF-style: chr2-197710692-AG-A.
Other names: c.1677del, p.Phe560_Leu561insTer (NM_001321099.2); c.1032del, p.Phe345_Leu346insTer (NM_001321100.2).
Identifiers: ClinVar variation 2474508 (VCV002474508.2), dbSNP rs2469094152, ClinGen allele CA2580065393.
Genomic context (GRCh38, chr2:196,845,968, plus strand): 5'-GAAGTATGGCTAGTGCTCCACAAGTTGTCCAACTAACTATGATCAAGACAATTGTCAAAA[AG>A]GGCAAGTCTGGTGATATCATCTTGATATCTTTAGGAAGTTCAGAGGGTCTGGAATTATAA-3'